The following is an entry in ClinVar:

NM_004646.4(NPHS1):c.2500G>T (p.Val834Phe)

Gene: NPHS1 (NPHS1 adhesion molecule, nephrin; minus strand). Cytogenetic location: 19q13.12.
Variant type: single nucleotide variant.
Coding change: c.2500G>T on transcript NM_004646.4 (MANE Select); coding-DNA position 2500, G replaced by T.
Protein change: p.Val834Phe; replaces valine 834 with phenylalanine.
Molecular consequence: missense variant.
Genome position (GRCh38, 1-based): chr19:35,842,385, C>A on the plus strand (G>T on the coding strand, the complement: NPHS1 is on the minus strand). VCF-style: chr19-35842385-C-A. GRCh37 (hg19) VCF-style: chr19-36333287-C-A.
Other names: short protein forms V834F.
Identifiers: ClinVar variation 56478 (VCV000056478.3), dbSNP rs386833917, ClinGen allele CA250195.

ClinVar aggregate classification (germline): Likely pathogenic. Review status: criteria provided, single submitter (1 of 4 stars). 2 submissions from 2 submitters: Likely pathogenic (1). 1 of the submissions does not count toward it. Last evaluated 2025-02-10.

Conditions:
Finnish congenital nephrotic syndrome (NPHS1). Also called: NEPHROTIC SYNDROME, TYPE 1. Identifiers: Orphanet 839, MedGen C0403399, MONDO:0009732, OMIM 256300.

Allele frequency attached by ClinVar (database versions not stated): gnomAD exomes below 0.00001; gnomAD 0.00001.
gnomAD v4.1: 2 of 1,613,816 alleles (0.00012%); highest among the groups gnomAD compares: Non-Finnish European, 0.00017%; no homozygotes.

Submissions (2):

Natera, Inc.
Classification: Likely pathogenic for Finnish congenital nephrotic syndrome. Last evaluated: 2025-02-10. Review status: criteria provided, single submitter. Criteria: Natera Variant Classification Schema (03/2026). Collection method: clinical testing. Allele origin: germline.
Comment: The c.2500G>T variant in NPHS1 is a missense variant predicted to cause substitution of valine to phenylalanine at amino acid 834. This variant is rare in the general population with a frequency below the threshold expected for the associated phenotype(s). This variant has been observed in one or more individuals affected with the associated recessive disease, as either homozygous or compound heterozygous with a second variant (PMID: 29474669, 29801666). Computational prediction algorithms indicate this variant is likely to affect gene or protein function. Given the available evidence, this variant is classified as Likely Pathogenic.

Juha Muilu Group; Institute for Molecular Medicine Finland (FIMM)
Classification: Likely pathogenic for Finnish congenital nephrotic syndrome. Review status: no assertion criteria provided. Collection method: not provided. Allele origin: unknown. Not counted in ClinVar's aggregate classification.
Comment: FinDis database variant: This variant was not found or characterized by our laboratory, data were collected from public sources: see reference
ClinVar note: Converted during submission from probable-pathogenic to Likely pathogenic.

Literature cited by the submitters: PubMed 29474669 (cited by Natera, Inc.); PubMed 29801666 (cited by Natera, Inc.).